The following is an entry in ClinVar:

NM_001040151.2(SCN3B):c.380A>G (p.Glu127Gly)

Gene: SCN3B (sodium voltage-gated channel beta subunit 3; minus strand). Cytogenetic location: 11q24.1.
Variant type: single nucleotide variant.
Coding change: c.380A>G on transcript NM_001040151.2 (MANE Select); coding-DNA position 380, A replaced by G.
Protein change: p.Glu127Gly; replaces glutamic acid 127 with glycine.
Molecular consequence: missense variant.
Genome position (GRCh38, 1-based): chr11:123,642,511, T>C on the plus strand (A>G on the coding strand, the complement: SCN3B is on the minus strand). VCF-style: chr11-123642511-T-C. GRCh37 (hg19) VCF-style: chr11-123513219-T-C.
Other names: c.380A>G, p.Glu127Gly (NM_018400.4); short protein forms E127G.
Identifiers: ClinVar variation 3227130 (VCV003227130.1), dbSNP rs1955804399, ClinGen allele CA383071421.

ClinVar aggregate classification (germline): Uncertain significance (1 of 4 stars; one submission).

Conditions:
Cardiovascular phenotype. Identifiers: MedGen CN230736.

Submission:

Ambry Genetics
Classification: Uncertain significance for Cardiovascular phenotype. Last evaluated: 2023-10-16. Review status: criteria provided, single submitter. Criteria: Ambry Variant Classification Scheme 2023. Collection method: clinical testing. Allele origin: germline.
Comment: The p.E127G variant (also known as c.380A>G), located in coding exon 3 of the SCN3B gene, results from an A to G substitution at nucleotide position 380. The glutamic acid at codon 127 is replaced by glycine, an amino acid with similar properties. This amino acid position is conserved. In addition, the in silico prediction for this alteration is inconclusive. Since supporting evidence is limited at this time, the clinical significance of this alteration remains unclear.